The following is an entry in ClinVar:

ClinVar aggregate classification (germline): Benign/Likely benign. Review status: criteria provided, multiple submitters, no conflicts (2 of 4 stars). 5 submissions from 5 submitters: Benign (2); Likely benign (3). Last evaluated 2024-11-01.

Allele frequency attached by ClinVar (database versions not stated): gnomAD exomes 0.00026 and 0.00076; ExAC 0.00102; ESP Exome Variant Server 0.00238; 1000 Genomes Project 0.00280; gnomAD 0.00290 and 0.00309; TOPMed 0.00298.
gnomAD v4.1: 848 of 1,608,526 alleles (0.053%); highest among the groups gnomAD compares: African/African-American, 0.95%; 5 homozygotes.

Submissions (5):

Blueprint Genetics
Classification: Likely benign. Last evaluated: 2024-11-01. Review status: criteria provided, single submitter. Criteria: ACMG Guidelines, 2015. Collection method: clinical testing. Allele origin: germline.

GeneDx
Classification: Likely benign. Last evaluated: 2020-10-14. Review status: criteria provided, single submitter. Criteria: GeneDx Variant Classification Process June 2021. Collection method: clinical testing. Allele origin: germline. Affected: yes.

Labcorp Genetics (formerly Invitae), Labcorp
Classification: Benign. Last evaluated: 2019-12-31. Review status: criteria provided, single submitter. Criteria: Invitae Variant Classification Sherloc (09022015). Collection method: clinical testing. Allele origin: germline.

Laboratory for Molecular Medicine, Mass General Brigham Personalized Medicine
Classification: Benign. Last evaluated: 2012-04-30. Review status: criteria provided, single submitter. Criteria: LMM Criteria. Collection method: clinical testing. Allele origin: germline. Observed: 6 variant alleles.
Comment: 1580-7G>T in Intron 14 of OTOF: This variant is not expected to have clinical si gnificance because it has been identified in 0.7% (27/3738) of African American chromosomes from a broad population by the NHLBI Exome Sequencing Project (dbSNP rs116430138).

Breakthrough Genomics
Classification: Likely benign. Review status: criteria provided, single submitter. Criteria: ACMG Guidelines, 2015. Collection method: not provided. Allele origin: germline. Inheritance: Autosomal recessive inheritance. Affected: yes.

NM_194248.3(OTOF):c.1580-7G>T

Gene: OTOF (otoferlin; minus strand). Cytogenetic location: 2p23.3.
Variant type: single nucleotide variant.
Coding change: c.1580-7G>T on transcript NM_194248.3 (MANE Select); 7 bases into the intron before coding-DNA position 1580, G replaced by T.
Molecular consequence: intron variant.
Genome position (GRCh38, 1-based): chr2:26,481,016, C>A on the plus strand (G>T on the coding strand, the complement: OTOF is on the minus strand). VCF-style: chr2-26481016-C-A. GRCh37 (hg19) VCF-style: chr2-26703884-C-A.
Other names: c.1580-7G>T (NM_001287489.2).
Identifiers: ClinVar variation 164871 (VCV000164871.13), dbSNP rs116430138, ClinGen allele CA177562.